The following is an entry in ClinVar:

ClinVar aggregate classification (germline): Uncertain significance. Review status: criteria provided, multiple submitters, no conflicts (2 of 4 stars). 3 submissions from 3 submitters: Uncertain significance (3). Last evaluated 2025-02-27.

Conditions:
Hereditary cancer-predisposing syndrome. Also called: Hereditary neoplastic syndrome; Hereditary Cancer Syndrome; Neoplastic Syndromes, Hereditary; Tumor predisposition. Identifiers: Orphanet 140162, MedGen C0027672, MeSH D009386, MONDO:0015356.
Oligodontia-cancer predisposition syndrome. Also called: TOOTH AGENESIS-COLORECTAL CANCER SYNDROME. Identifiers: Orphanet 300576, MedGen C1837750, MONDO:0012075, OMIM 608615. Disease mechanism: loss of function.

Submissions (3):

Ambry Genetics
Classification: Uncertain significance for Hereditary cancer-predisposing syndrome. Last evaluated: 2025-02-27. Review status: criteria provided, single submitter. Criteria: Ambry Variant Classification Scheme 2023. Collection method: clinical testing. Allele origin: germline.
Comment: The p.L349P variant (also known as c.1046T>C), located in coding exon 3 of the AXIN2 gene, results from a T to C substitution at nucleotide position 1046. The leucine at codon 349 is replaced by proline, an amino acid with similar properties. This amino acid position is highly conserved in available vertebrate species. In addition, this alteration is predicted to be deleterious by in silico analysis. Based on the available evidence, the clinical significance of this variant remains unclear.

Labcorp Genetics (formerly Invitae), Labcorp
Classification: Uncertain significance for Oligodontia-cancer predisposition syndrome. Last evaluated: 2022-05-27. Review status: criteria provided, single submitter. Criteria: Invitae Variant Classification Sherloc (09022015). Collection method: clinical testing. Allele origin: germline.
Comment: ClinVar contains an entry for this variant (Variation ID: 234809). This variant has not been reported in the literature in individuals affected with AXIN2-related conditions. This variant is not present in population databases (gnomAD no frequency). This sequence change replaces leucine, which is neutral and non-polar, with proline, which is neutral and non-polar, at codon 349 of the AXIN2 protein (p.Leu349Pro). Algorithms developed to predict the effect of missense changes on protein structure and function are either unavailable or do not agree on the potential impact of this missense change (SIFT: "Deleterious"; PolyPhen-2: "Probably Damaging"; Align-GVGD: "Class C0"). In summary, the available evidence is currently insufficient to determine the role of this variant in disease. Therefore, it has been classified as a Variant of Uncertain Significance.

GeneDx
Classification: Uncertain significance. Last evaluated: 2019-12-12. Review status: criteria provided, single submitter. Criteria: GeneDx Variant Classification Process June 2021. Collection method: clinical testing. Allele origin: germline. Affected: yes.
Comment: Not observed in large population cohorts (Lek 2016); In silico analysis, which includes protein predictors and evolutionary conservation, supports a deleterious effect; Has not been previously published as pathogenic or benign to our knowledge

NM_004655.4(AXIN2):c.1046T>C (p.Leu349Pro)

Gene: AXIN2 (axin 2; minus strand). Cytogenetic location: 17q24.1.
Variant type: single nucleotide variant.
Coding change: c.1046T>C on transcript NM_004655.4 (MANE Select); coding-DNA position 1046, T replaced by C.
Protein change: p.Leu349Pro; replaces leucine 349 with proline.
Molecular consequence: missense variant.
Genome position (GRCh38, 1-based): chr17:65,541,468, A>G on the plus strand (T>C on the coding strand, the complement: AXIN2 is on the minus strand). VCF-style: chr17-65541468-A-G. GRCh37 (hg19) VCF-style: chr17-63537586-A-G.
Other names: c.1046T>C (LRG_296t1); c.1046T>C, p.Leu349Pro (NM_001363813.1); short protein forms L349P.
Identifiers: ClinVar variation 234809 (VCV000234809.10), dbSNP rs876661230, ClinGen allele CA10577573.